The following is an entry in ClinVar:

ClinVar aggregate classification (germline): Uncertain significance (1 of 4 stars; one submission).

Submission:

Labcorp Genetics (formerly Invitae), Labcorp
Classification: Uncertain significance. Last evaluated: 2023-03-30. Review status: criteria provided, single submitter. Criteria: Invitae Variant Classification Sherloc (09022015). Collection method: clinical testing. Allele origin: germline.
Comment: In summary, the available evidence is currently insufficient to determine the role of this variant in disease. Therefore, it has been classified as a Variant of Uncertain Significance. An algorithm developed to predict the effect of missense changes on protein structure and function (PolyPhen-2) suggests that this variant is likely to be disruptive. This variant has not been reported in the literature in individuals affected with NEXMIF-related conditions. This variant is not present in population databases (gnomAD no frequency). This sequence change replaces lysine, which is basic and polar, with asparagine, which is neutral and polar, at codon 603 of the NEXMIF protein (p.Lys603Asn).

NM_001008537.3(NEXMIF):c.1809G>C (p.Lys603Asn)

Gene: NEXMIF (neurite extension and migration factor; minus strand). Cytogenetic location: Xq13.3.
Variant type: single nucleotide variant.
Coding change: c.1809G>C on transcript NM_001008537.3 (MANE Select); coding-DNA position 1809, G replaced by C.
Protein change: p.Lys603Asn; replaces lysine 603 with asparagine.
Molecular consequence: missense variant.
Genome position (GRCh38, 1-based): chrX:74,742,748, C>G on the plus strand (G>C on the coding strand, the complement: NEXMIF is on the minus strand). VCF-style: chrX-74742748-C-G. GRCh37 (hg19) VCF-style: chrX-73962583-C-G.
Other names: short protein forms K603N.
Identifiers: ClinVar variation 2844738 (VCV002844738.3), dbSNP rs2147440679, ClinGen allele CA413669640.